The following is an entry in ClinVar:

NM_018671.5(UNC45A):c.2007-7C>T

Gene: UNC45A (unc-45 myosin chaperone A; plus strand). Cytogenetic location: 15q26.1.
Variant type: single nucleotide variant.
Coding change: c.2007-7C>T on transcript NM_018671.5 (MANE Select); 7 bases into the intron before coding-DNA position 2007, C replaced by T.
Molecular consequence: intron variant.
Genome position (GRCh38, 1-based): chr15:90,949,647, C>T. VCF-style: chr15-90949647-C-T. GRCh37 (hg19) VCF-style: chr15-91492877-C-T.
Other names: p.?; c.1962-7C>T (NM_001039675.2, NM_001323621.2); c.2007-7C>T (NM_001323619.1); c.1572-7C>T (NM_001323620.2).
Identifiers: ClinVar variation 1167688 (VCV001167688.13), dbSNP rs749938, ClinGen allele CA7743157.
Genomic context (GRCh38, chr15:90,949,647, plus strand): 5'-CTAGGAGTGCAGCGTCTGCCTGCCAGAGTCCCAGAGCTGCCTGCCCACCACCGCCTTCTC[C>T]CCACAGGGTCTTCTTGGCTTTAGTGGAAGAGGTAGAGGACCGAGGCACTGTGGTTGCCCA-3'

ClinVar aggregate classification (germline): Benign. Review status: criteria provided, multiple submitters, no conflicts (2 of 4 stars). 4 submissions from 4 submitters: Benign (3). 1 of the submissions does not count toward it. Last evaluated 2026-02-04.

Conditions:
UNC45A-related disorder. Also called: UNC45A-related condition.

Allele frequency attached by ClinVar (database versions not stated): TOPMed 0.18452; gnomAD 0.17467 and 0.16635; gnomAD exomes 0.15360 and 0.21050; ESP Exome Variant Server 0.15702; ExAC 0.20442; 1000 Genomes Project 30x 0.26765; 1000 Genomes Project 0.27097.
gnomAD v4.1: 252,179 of 1,613,664 alleles (16%); highest among the groups gnomAD compares: East Asian, 41%; 24,744 homozygotes.

Submissions (4):

Labcorp Genetics (formerly Invitae), Labcorp
Classification: Benign. Last evaluated: 2026-02-04. Review status: criteria provided, single submitter. Criteria: Invitae Variant Classification Sherloc (09022015). Collection method: clinical testing. Allele origin: germline.

Mayo Clinic Laboratories, Mayo Clinic
Classification: Benign. Last evaluated: 2022-09-06. Review status: criteria provided, single submitter. Criteria: ACMG Guidelines, 2015. Collection method: clinical testing. Allele origin: germline. Observed: 22 variant alleles.

Breakthrough Genomics
Classification: Benign. Review status: criteria provided, single submitter. Criteria: ACMG Guidelines, 2015. Collection method: not provided. Allele origin: germline. Inheritance: Autosomal recessive inheritance. Affected: yes.

PreventionGenetics, part of Exact Sciences
Classification: Benign for UNC45A-related condition. Last evaluated: 2019-10-17. Review status: no assertion criteria provided. Collection method: clinical testing. Allele origin: germline. Not counted in ClinVar's aggregate classification.
Comment: This variant is classified as benign based on ACMG/AMP sequence variant interpretation guidelines (Richards et al. 2015 PMID: 25741868, with internal and published modifications).